The following is an entry in ClinVar:

ClinVar aggregate classification (germline): Uncertain significance (1 of 4 stars; one submission).

Allele frequency attached by ClinVar (database versions not stated): gnomAD exomes below 0.00001 and 0.00001; ExAC 0.00001.
gnomAD v4.1: 8 of 1,613,116 alleles (0.0005%); highest among the groups gnomAD compares: Non-Finnish European, 0.00042%; no homozygotes.

Submission:

Labcorp Genetics (formerly Invitae), Labcorp
Classification: Uncertain significance. Last evaluated: 2020-11-02. Review status: criteria provided, single submitter. Criteria: Invitae Variant Classification Sherloc (09022015). Collection method: clinical testing. Allele origin: germline.
Comment: This sequence change replaces methionine with valine at codon 322 of the EPRS protein (p.Met322Val). The methionine residue is moderately conserved and there is a small physicochemical difference between methionine and valine. In summary, the available evidence is currently insufficient to determine the role of this variant in disease. Therefore, it has been classified as a Variant of Uncertain Significance. Algorithms developed to predict the effect of sequence changes on RNA splicing suggest that this variant may create or strengthen a splice site, but this prediction has not been confirmed by published transcriptional studies. Algorithms developed to predict the effect of missense changes on protein structure and function are either unavailable or do not agree on the potential impact of this missense change (SIFT: "Deleterious"; PolyPhen-2: "Benign"; Align-GVGD: "Class C0"). This variant has not been reported in the literature in individuals with EPRS-related conditions. This variant is present in population databases (rs756493134, ExAC 0.002%).

NM_004446.3(EPRS1):c.964A>G (p.Met322Val)

Gene: EPRS1 (glutamyl-prolyl-tRNA synthetase 1; minus strand). Cytogenetic location: 1q41.
Variant type: single nucleotide variant.
Coding change: c.964A>G on transcript NM_004446.3 (MANE Select); coding-DNA position 964, A replaced by G.
Protein change: p.Met322Val; replaces methionine 322 with valine.
Molecular consequence: missense variant.
Genome position (GRCh38, 1-based): chr1:220,022,498, T>C on the plus strand (A>G on the coding strand, the complement: EPRS1 is on the minus strand). VCF-style: chr1-220022498-T-C. GRCh37 (hg19) VCF-style: chr1-220195840-T-C.
Other names: short protein forms M322V.
Identifiers: ClinVar variation 1680995 (VCV001680995.7), dbSNP rs756493134, ClinGen allele CA1400403.